The following is an entry in ClinVar:

ClinVar aggregate classification (germline): Uncertain significance. Review status: criteria provided, multiple submitters, no conflicts (2 of 4 stars). 2 submissions from 2 submitters: Uncertain significance (2). Last evaluated 2025-12-26.

Allele frequency attached by ClinVar (database versions not stated): TOPMed below 0.00001; gnomAD 0.00003.
gnomAD v4.1: 20 of 1,613,842 alleles (0.0012%); highest among the groups gnomAD compares: Non-Finnish European, 0.0016%; no homozygotes.

Submissions (2):

Labcorp Genetics (formerly Invitae), Labcorp
Classification: Uncertain significance. Last evaluated: 2025-12-26. Review status: criteria provided, single submitter. Criteria: Invitae Variant Classification Sherloc (09022015). Collection method: clinical testing. Allele origin: germline.
Comment: This sequence change replaces methionine, which is neutral and non-polar, with leucine, which is neutral and non-polar, at codon 226 of the CARD8 protein (p.Met226Leu). This variant is present in population databases (rs754710410, gnomAD 0.005%). This variant has not been reported in the literature in individuals affected with CARD8-related conditions. ClinVar contains an entry for this variant (Variation ID: 1514402). An algorithm developed to predict the effect of missense changes on protein structure and function (PolyPhen-2) suggests that this variant is likely to be disruptive. In summary, the available evidence is currently insufficient to determine the role of this variant in disease. Therefore, it has been classified as a Variant of Uncertain Significance.

Ambry Genetics
Classification: Uncertain significance. Last evaluated: 2025-07-18. Review status: criteria provided, single submitter. Criteria: Ambry Variant Classification Scheme 2023. Collection method: clinical testing. Allele origin: germline.

NM_001184900.3(CARD8):c.826A>C (p.Met276Leu)

Gene: CARD8 (caspase recruitment domain family member 8; minus strand). Cytogenetic location: 19q13.33.
Variant type: single nucleotide variant.
Coding change: c.826A>C on transcript NM_001184900.3 (MANE Select); coding-DNA position 826, A replaced by C.
Protein change: p.Met276Leu; replaces methionine 276 with leucine.
Molecular consequence: missense variant. On other transcripts: non-coding transcript variant (4).
Genome position (GRCh38, 1-based): chr19:48,230,647, T>G on the plus strand (A>C on the coding strand, the complement: CARD8 is on the minus strand). VCF-style: chr19-48230647-T-G. GRCh37 (hg19) VCF-style: chr19-48733904-T-G.
Other names: c.676A>C, p.Met226Leu (NM_001184901.1, NM_001351783.2, NM_001351788.2 and 2 more transcripts); c.826A>C, p.Met276Leu (NM_001184902.2, NM_001184903.1, NM_001351782.2); c.511A>C, p.Met171Leu (NM_001351784.2, NM_001351787.2, NM_001351791.2 and 1 more transcripts); c.490A>C, p.Met164Leu (NM_001351786.2); c.583A>C, p.Met195Leu (NM_001351790.2); c.508A>C, p.Met170Leu (NM_001365950.1); c.826A>C (NM_001184900.1); short protein forms M171L, M226L, M164L, M195L, M276L, M170L.
Identifiers: ClinVar variation 1514402 (VCV001514402.10), dbSNP rs754710410, ClinGen allele CA9547893.